The following is an entry in ClinVar:

NM_000051.4(ATM):c.4782T>G (p.Ile1594Met)

Gene: ATM (ATM serine/threonine kinase; plus strand). Cytogenetic location: 11q22.3.
Variant type: single nucleotide variant.
Coding change: c.4782T>G on transcript NM_000051.4 (MANE Select); coding-DNA position 4782, T replaced by G.
Protein change: p.Ile1594Met; replaces isoleucine 1594 with methionine.
Molecular consequence: missense variant.
Genome position (GRCh38, 1-based): chr11:108,294,932, T>G. VCF-style: chr11-108294932-T-G. GRCh37 (hg19) VCF-style: chr11-108165659-T-G.
Other names: c.4782T>G, p.Ile1594Met (NM_001351834.2); short protein forms I1594M.
Identifiers: ClinVar variation 1391101 (VCV001391101.6), dbSNP rs2135833642, ClinGen allele CA382536163.
Genomic context (GRCh38, chr11:108,294,932, plus strand): 5'-TATTTCACAGGCTTAACCAATACGTGTTAAAAGCAAGTTACATTTTCTCTTTTAGGAAAT[T>G]AACCATTTTCTCTCAGTAAGTGTTTATGATGCACTTCCATTGACAAGACTTGAAGGACTA-3'
Protein context (NP_000042.3, residues 1584-1604): SRGPFSLLEE[Ile1594Met]NHFLSVSVYD

ClinVar aggregate classification (germline): Uncertain significance (1 of 4 stars; one submission).

Conditions:
Ataxia-telangiectasia syndrome (AT). Also called: Ataxia-telangiectasia, complementation group D; Ataxia telangiectasia (A-T); Cerebello-oculocutaneous telangiectasia; Immunodeficiency with ataxia telangiectasia; ATAXIA-TELANGIECTASIA, COMPLEMENTATION GROUP A; ATAXIA-TELANGIECTASIA, FRESNO VARIANT. Identifiers: Orphanet 100, MedGen C0004135, MONDO:0008840, OMIM 208900.

Submission:

Labcorp Genetics (formerly Invitae), Labcorp
Classification: Uncertain significance for Ataxia-telangiectasia syndrome. Last evaluated: 2024-05-28. Review status: criteria provided, single submitter. Criteria: Invitae Variant Classification Sherloc (09022015). Collection method: clinical testing. Allele origin: germline.
Comment: This sequence change replaces isoleucine, which is neutral and non-polar, with methionine, which is neutral and non-polar, at codon 1594 of the ATM protein (p.Ile1594Met). This variant is not present in population databases (gnomAD no frequency). This variant has not been reported in the literature in individuals affected with ATM-related conditions. ClinVar contains an entry for this variant (Variation ID: 1391101). An algorithm developed to predict the effect of missense changes on protein structure and function (PolyPhen-2) suggests that this variant is likely to be disruptive. In summary, the available evidence is currently insufficient to determine the role of this variant in disease. Therefore, it has been classified as a Variant of Uncertain Significance.